The following is an entry in ClinVar:

NC_000006.12:g.(?_64436164)_(65495865_?)del

Gene: EYS (eyes shut homolog; minus strand). Cytogenetic location: 6q12.
Variant type: Deletion.
Identifiers: ClinVar variation 831967 (VCV000831967.3).

ClinVar aggregate classification (germline): Pathogenic (1 of 4 stars; one submission).

Submission:

Labcorp Genetics (formerly Invitae), Labcorp
Classification: Pathogenic. Last evaluated: 2022-09-21. Review status: criteria provided, single submitter. Criteria: Invitae Variant Classification Sherloc (09022015). Collection method: clinical testing. Allele origin: germline.
Comment: For these reasons, this variant has been classified as Pathogenic. This variant has not been reported in the literature in individuals affected with EYS-related conditions. This variant is a gross deletion of the genomic region encompassing exon(s) 3-28 of the EYS gene, which includes the initiator codon. This deletion extends beyond the assayed region for this gene and therefore may encompass additional genes. It is expected to result in an absent or disrupted protein product. Loss-of-function variants in EYS are known to be pathogenic (PMID: 18836446, 20333770).

Literature cited by the submitters: PubMed 18836446; PubMed 20333770.